The following is an entry in ClinVar:

NM_005273.4(GNB2):c.271C>G (p.His91Asp)

Gene: GNB2 (G protein subunit beta 2; plus strand). Cytogenetic location: 7q22.1.
Variant type: single nucleotide variant.
Coding change: c.271C>G on transcript NM_005273.4 (MANE Select); coding-DNA position 271, C replaced by G.
Protein change: p.His91Asp; replaces histidine 91 with aspartic acid.
Molecular consequence: missense variant.
Genome position (GRCh38, 1-based): chr7:100,677,501, C>G. VCF-style: chr7-100677501-C-G. GRCh37 (hg19) VCF-style: chr7-100275124-C-G.
Other names: short protein forms H91D.
Identifiers: ClinVar variation 1723526 (VCV001723526.3), dbSNP rs2486197685, ClinGen allele CA368515053.

ClinVar aggregate classification (germline): Uncertain significance (1 of 4 stars; one submission).

Submission:

GeneDx
Classification: Uncertain significance. Last evaluated: 2024-08-07. Review status: criteria provided, single submitter. Criteria: GeneDx Variant Classification Process June 2021. Collection method: clinical testing. Allele origin: germline. Affected: yes.
Comment: Not observed at significant frequency in large population cohorts (gnomAD); In silico analysis supports that this missense variant has a deleterious effect on protein structure/function; Has not been previously published as pathogenic or benign to our knowledge